The following is an entry in ClinVar:

ClinVar aggregate classification (germline): Likely benign (1 of 4 stars; one submission).

Submission:

GeneDx
Classification: Likely benign. Last evaluated: 2023-04-22. Review status: criteria provided, single submitter. Criteria: GeneDx Variant Classification Process June 2021. Collection method: clinical testing. Allele origin: germline. Affected: yes.
Comment: See Variant Classification Assertion Criteria.

NM_016628.5(WAC):c.498-9del

Gene: WAC (WW domain containing adaptor with coiled-coil; plus strand). Cytogenetic location: 10p12.1.
Variant type: Deletion.
Coding change: c.498-9del on transcript NM_016628.5 (MANE Select); 9 bases into the intron before coding-DNA position 498, one base deleted (T; older notation c.498-9delT).
Molecular consequence: intron variant.
Genome position (GRCh38, 1-based): chr10:28,590,711, T deleted; the last of 9 consecutive T bases (chr10:28,590,703-28,590,711); deleting any one gives the same sequence. VCF-style (leftmost placement, unchanged base first): chr10-28590702-CT-C. GRCh37 (hg19) VCF-style: chr10-28879631-CT-C.
Other names: c.363-9del (NM_100264.3); c.498-9del (NM_100486.4).
Identifiers: ClinVar variation 1198998 (VCV001198998.3), dbSNP rs200420703, ClinGen allele CA5454812.